The following is an entry in ClinVar:

ClinVar aggregate classification (germline): Likely benign. Review status: criteria provided, multiple submitters, no conflicts (2 of 4 stars). 3 submissions from 3 submitters: Likely benign (2). 1 of the submissions does not count toward it. Last evaluated 2026-02-02.

Conditions:
PEX14-related disorder. Also called: PEX14-related condition.
Peroxisome biogenesis disorder, complementation group K (CGK). Identifiers: MedGen C1866257, MONDO:0800365.

Allele frequency attached by ClinVar (database versions not stated): ExAC 0.00008; gnomAD exomes 0.00008; gnomAD 0.00025 and 0.00029; TOPMed 0.00031; ESP Exome Variant Server 0.00038.
gnomAD v4.1: 84 of 1,611,120 alleles (0.0052%); highest among the groups gnomAD compares: African/African-American, 0.099%; no homozygotes.

Submissions (3):

Labcorp Genetics (formerly Invitae), Labcorp
Classification: Likely benign for Peroxisome biogenesis disorder, complementation group K. Last evaluated: 2026-02-02. Review status: criteria provided, single submitter. Criteria: Invitae Variant Classification Sherloc (09022015). Collection method: clinical testing. Allele origin: germline.

Blueprint Genetics
Classification: Likely benign. Last evaluated: 2024-05-09. Review status: criteria provided, single submitter. Criteria: ACMG Guidelines, 2015. Collection method: clinical testing. Allele origin: germline.

PreventionGenetics, part of Exact Sciences
Classification: Likely benign for PEX14-related condition. Last evaluated: 2022-01-24. Review status: no assertion criteria provided. Collection method: clinical testing. Allele origin: germline. Not counted in ClinVar's aggregate classification.
Comment: This variant is classified as likely benign based on ACMG/AMP sequence variant interpretation guidelines (Richards et al. 2015 PMID: 25741868, with internal and published modifications).

NM_004565.3(PEX14):c.1098G>T (p.Arg366=)

Gene: PEX14 (peroxisomal biogenesis factor 14; plus strand). Cytogenetic location: 1p36.22.
Variant type: single nucleotide variant.
Coding change: c.1098G>T on transcript NM_004565.3 (MANE Select); coding-DNA position 1098, G replaced by T.
Protein change: p.Arg366=; no amino-acid change (arginine 366 retained).
Molecular consequence: synonymous variant.
Genome position (GRCh38, 1-based): chr1:10,629,951, G>T. VCF-style: chr1-10629951-G-T. GRCh37 (hg19) VCF-style: chr1-10690008-G-T.
Identifiers: ClinVar variation 746318 (VCV000746318.12), dbSNP rs139610784, ClinGen allele CA584031.